The following is an entry in ClinVar:

NM_001394062.1(MACF1):c.3650C>A (p.Ala1217Asp)

Gene: MACF1 (microtubule actin crosslinking factor 1; plus strand). Cytogenetic location: 1p34.3.
Variant type: single nucleotide variant.
Coding change: c.3650C>A on transcript NM_001394062.1 (MANE Select); coding-DNA position 3650, C replaced by A.
Protein change: p.Ala1217Asp; replaces alanine 1217 with aspartic acid.
Molecular consequence: missense variant.
Genome position (GRCh38, 1-based): chr1:39,317,275, C>A. VCF-style: chr1-39317275-C-A. GRCh37 (hg19) VCF-style: chr1-39782947-C-A.
Other names: c.3665C>A, p.Ala1222Asp (NM_012090.5); short protein forms A1217D, A1222D.
Identifiers: ClinVar variation 2708387 (VCV002708387.3), dbSNP rs1571325294, ClinGen allele CA339785129.

ClinVar aggregate classification (germline): Uncertain significance (1 of 4 stars; one submission).

Submission:

Labcorp Genetics (formerly Invitae), Labcorp
Classification: Uncertain significance. Last evaluated: 2024-01-09. Review status: criteria provided, single submitter. Criteria: Invitae Variant Classification Sherloc (09022015). Collection method: clinical testing. Allele origin: germline.
Comment: This sequence change replaces alanine, which is neutral and non-polar, with aspartic acid, which is acidic and polar, at codon 1222 of the MACF1 protein (p.Ala1222Asp). This variant is not present in population databases (gnomAD no frequency). This variant has not been reported in the literature in individuals affected with MACF1-related conditions. Algorithms developed to predict the effect of missense changes on protein structure and function output the following: SIFT: "Not Available"; PolyPhen-2: "Benign"; Align-GVGD: "Not Available". The aspartic acid amino acid residue is found in multiple mammalian species, which suggests that this missense change does not adversely affect protein function. In summary, the available evidence is currently insufficient to determine the role of this variant in disease. Therefore, it has been classified as a Variant of Uncertain Significance.